The following is an entry in ClinVar:

NM_024675.4(PALB2):c.566G>T (p.Arg189Ile)

Gene: PALB2 (partner and localizer of BRCA2; minus strand). Cytogenetic location: 16p12.2.
Variant type: single nucleotide variant.
Coding change: c.566G>T on transcript NM_024675.4 (MANE Select); coding-DNA position 566, G replaced by T.
Protein change: p.Arg189Ile; replaces arginine 189 with isoleucine.
Molecular consequence: missense variant.
Genome position (GRCh38, 1-based): chr16:23,635,980, C>A on the plus strand (G>T on the coding strand, the complement: PALB2 is on the minus strand). VCF-style: chr16-23635980-C-A. GRCh37 (hg19) VCF-style: chr16-23647301-C-A.
Other names: short protein forms R189I.
Identifiers: ClinVar variation 461010 (VCV000461010.16), dbSNP rs764180110, ClinGen allele CA7963780.
Genomic context (GRCh38, chr16:23,635,980, plus strand): 5'-GAATCTGGAAGTTCAGATTTAAGACTTAAAAGGTGAGTTCTTATTTCAGTTACTGGTGAT[C>A]TAGCAGGATTTTTGCTACTGATTTCTTCCTGTTCCTTTAGTCTTTTCCCAGACAATCTGA-3'
Protein context (NP_078951.2, residues 179-199): QEEISSKNPA[Arg189Ile]SPVTEIRTHL

ClinVar aggregate classification (germline): Conflicting classifications of pathogenicity. Review status: criteria provided, conflicting classifications (1 of 4 stars). 3 submissions from 3 submitters: Uncertain significance (2); Likely benign (1). Last evaluated 2025-03-17.

Conditions:
Familial cancer of breast. Also called: BREAST CANCER, FAMILIAL; Hereditary breast cancer; hereditary breast carcinoma. Identifiers: Orphanet 227535, MedGen C0346153, MONDO:0016419, OMIM 114480. Disease mechanism: loss of function.
Hereditary cancer-predisposing syndrome. Also called: Neoplastic Syndromes, Hereditary; Hereditary Cancer Syndrome; Hereditary neoplastic syndrome; Tumor predisposition. Identifiers: Orphanet 140162, MedGen C0027672, MeSH D009386, MONDO:0015356.

Allele frequency attached by ClinVar (database versions not stated): gnomAD exomes below 0.00001; ExAC 0.00001; gnomAD 0.00001; TOPMed 0.00003.
gnomAD v4.1: 2 of 1,614,010 alleles (0.00012%); highest among the groups gnomAD compares: African/African-American, 0.0027%; no homozygotes.

Submissions (3):

Color Diagnostics, LLC DBA Color Health
Classification: Uncertain significance for Hereditary cancer-predisposing syndrome. Last evaluated: 2025-03-17. Review status: criteria provided, single submitter. Criteria: ACMG Guidelines, 2015. Collection method: clinical testing. Allele origin: germline.
Comment: This missense variant replaces arginine with isoleucine at codon 189 of the PALB2 protein. Computational prediction is inconclusive regarding the impact of this variant on protein structure and function (internally defined REVEL score threshold 0.5 < inconclusive < 0.7, PMID: 27666373). To our knowledge, functional studies have not been reported for this variant. This variant has been reported in individuals affected with cervical cancer (DOI: 10.1158/1538-7445.AM2016-4493). This variant has been identified in 1/251422 chromosomes in the general population by the Genome Aggregation Database (gnomAD). The available evidence is insufficient to determine the role of this variant in disease conclusively. Therefore, this variant is classified as a Variant of Uncertain Significance.

Labcorp Genetics (formerly Invitae), Labcorp
Classification: Uncertain significance for Familial cancer of breast. Last evaluated: 2025-03-05. Review status: criteria provided, single submitter. Criteria: Invitae Variant Classification Sherloc (09022015). Collection method: clinical testing. Allele origin: germline.
Comment: This sequence change replaces arginine, which is basic and polar, with isoleucine, which is neutral and non-polar, at codon 189 of the PALB2 protein (p.Arg189Ile). This variant is present in population databases (rs764180110, gnomAD 0.007%). This variant has not been reported in the literature in individuals affected with PALB2-related conditions. ClinVar contains an entry for this variant (Variation ID: 461010). An algorithm developed to predict the effect of missense changes on protein structure and function (PolyPhen-2) suggests that this variant is likely to be disruptive. In summary, the available evidence is currently insufficient to determine the role of this variant in disease. Therefore, it has been classified as a Variant of Uncertain Significance.

Ambry Genetics
Classification: Likely benign for Hereditary cancer-predisposing syndrome. Last evaluated: 2023-12-06. Review status: criteria provided, single submitter. Criteria: Ambry Variant Classification Scheme 2023. Collection method: clinical testing. Allele origin: germline.